The following is an entry in ClinVar:

NM_001128425.2(MUTYH):c.182G>T (p.Cys61Phe)

Gene: MUTYH (mutY DNA glycosylase; minus strand). Cytogenetic location: 1p34.1.
Variant type: single nucleotide variant.
Coding change: c.182G>T on transcript NM_001128425.2 (MANE Plus Clinical); coding-DNA position 182, G replaced by T.
Protein change: p.Cys61Phe; replaces cysteine 61 with phenylalanine.
Molecular consequence: missense variant. On other transcripts: intron variant (10).
Genome position (GRCh38, 1-based): chr1:45,333,579, C>A on the plus strand (G>T on the coding strand, the complement: MUTYH is on the minus strand). VCF-style: chr1-45333579-C-A. GRCh37 (hg19) VCF-style: chr1-45799251-C-A.
Other names: c.131G>T, p.Cys44Phe (NM_001293191.2); c.173G>T, p.Cys58Phe (NM_012222.3); c.-92-82G>T (NM_001350651.2); c.-97-82G>T (NM_001293192.2, NM_001293196.2); c.-156-18G>T (NM_001350650.2); c.116-18G>T (NM_001048171.2, NM_001048173.2, NM_001048174.2 and 1 more transcripts); c.158-15G>T (NM_001293190.2); c.116-15G>T (NM_001048172.2); short protein forms C61F, C44F, C58F.
Identifiers: ClinVar variation 1481307 (VCV001481307.8), dbSNP rs1372337348, ClinGen allele CA340136781.

ClinVar aggregate classification (germline): Conflicting classifications of pathogenicity. Review status: criteria provided, conflicting classifications (1 of 4 stars). 2 submissions from 2 submitters: Uncertain significance (1); Likely benign (1). Last evaluated 2024-02-22.

Conditions:
Hereditary cancer-predisposing syndrome. Also called: Tumor predisposition; Neoplastic Syndromes, Hereditary; Hereditary Cancer Syndrome; Hereditary neoplastic syndrome. Identifiers: Orphanet 140162, MedGen C0027672, MeSH D009386, MONDO:0015356.
Familial adenomatous polyposis 2. Also called: MYH-associated polyposis; Adenomas, multiple colorectal; COLORECTAL ADENOMATOUS POLYPOSIS, AUTOSOMAL RECESSIVE; ADENOMAS, MULTIPLE COLORECTAL, AUTOSOMAL RECESSIVE; FAP type 2; MUTYH Polyposis. Identifiers: Orphanet 220460, Orphanet 247798, MedGen C3272841, MONDO:0012041, OMIM 608456.

Submissions (2):

Labcorp Genetics (formerly Invitae), Labcorp
Classification: Uncertain significance for Familial adenomatous polyposis 2. Last evaluated: 2024-02-22. Review status: criteria provided, single submitter. Criteria: Invitae Variant Classification Sherloc (09022015). Collection method: clinical testing. Allele origin: germline.
Comment: This sequence change replaces cysteine, which is neutral and slightly polar, with phenylalanine, which is neutral and non-polar, at codon 61 of the MUTYH protein (p.Cys61Phe). This variant is not present in population databases (gnomAD no frequency). This variant has not been reported in the literature in individuals affected with MUTYH-related conditions. ClinVar contains an entry for this variant (Variation ID: 1481307). Algorithms developed to predict the effect of missense changes on protein structure and function output the following: SIFT: "Not Available"; PolyPhen-2: "Benign"; Align-GVGD: "Not Available". The phenylalanine amino acid residue is found in multiple mammalian species, which suggests that this missense change does not adversely affect protein function. In summary, the available evidence is currently insufficient to determine the role of this variant in disease. Therefore, it has been classified as a Variant of Uncertain Significance.

Ambry Genetics
Classification: Likely benign for Hereditary cancer-predisposing syndrome. Last evaluated: 2020-02-06. Review status: criteria provided, single submitter. Criteria: Ambry Variant Classification Scheme 2023. Collection method: clinical testing. Allele origin: germline.